The following is an entry in ClinVar:

NM_175737.4(KLB):c.2605dup (p.Val869fs)

Gene: KLB (klotho beta; plus strand). Cytogenetic location: 4p14.
Variant type: Duplication.
Coding change: c.2605dup on transcript NM_175737.4 (MANE Select); coding-DNA position 2605, one base duplicated (G; older notation c.2605dupG).
Protein change: p.Val869fs; shifts the reading frame from valine 869.
Molecular consequence: frameshift variant.
Genome position (GRCh38, 1-based): chr4:39,447,331, G duplicated; the last of 6 consecutive G bases (chr4:39,447,326-39,447,331); duplicating any one gives the same sequence. VCF-style (leftmost placement, unchanged base first): chr4-39447325-T-TG. GRCh37 (hg19) VCF-style: chr4-39448945-T-TG.
Other names: short protein forms V869fs.
Identifiers: ClinVar variation 4770565 (VCV004770565.1).
Genomic context (GRCh38, chr4:39,447,325, plus strand): 5'-ATCCAGTTTCTGCAGGACATCACCCGCCTGAGCTCCCCCACGCGCCTGGCTGTGATTCCC[T>TG]GGGGGGTGCGCAAGCTGCTGCGGTGGGTCCGGAGGAACTACGGCGACATGGACATTTACA-3'

ClinVar aggregate classification (germline): Uncertain significance (1 of 4 stars; one submission).

Submission:

Labcorp Genetics (formerly Invitae), Labcorp
Classification: Uncertain significance. Last evaluated: 2025-10-02. Review status: criteria provided, single submitter. Criteria: Invitae Variant Classification Sherloc (09022015). Collection method: clinical testing. Allele origin: germline.
Comment: This sequence change creates a premature translational stop signal (p.Val869Glyfs*32) in the KLB gene. It is expected to result in an absent or disrupted protein product. However, the current clinical and genetic evidence is not sufficient to establish whether loss-of-function variants in KLB cause disease. This variant is not present in population databases (gnomAD no frequency). This variant has not been reported in the literature in individuals affected with KLB-related conditions. In summary, the available evidence is currently insufficient to determine the role of this variant in disease. Therefore, it has been classified as a Variant of Uncertain Significance.